The following is an entry in ClinVar:

ClinVar aggregate classification (germline): Pathogenic (1 of 4 stars; one submission).

Conditions:
Hereditary cancer-predisposing syndrome. Also called: Neoplastic Syndromes, Hereditary; Hereditary Cancer Syndrome; Hereditary neoplastic syndrome; Tumor predisposition. Identifiers: Orphanet 140162, MedGen C0027672, MeSH D009386, MONDO:0015356.

Submission:

Labcorp Genetics (formerly Invitae), Labcorp
Classification: Pathogenic for Hereditary cancer-predisposing syndrome. Last evaluated: 2022-12-10. Review status: criteria provided, single submitter. Criteria: Invitae Variant Classification Sherloc (09022015). Collection method: clinical testing. Allele origin: germline.
Comment: For these reasons, this variant has been classified as Pathogenic. Algorithms developed to predict the effect of sequence changes on RNA splicing suggest that this variant may create or strengthen a splice site. ClinVar contains an entry for this variant (Variation ID: 1459924). This variant has not been reported in the literature in individuals affected with RAD50-related conditions. This variant is not present in population databases (gnomAD no frequency). This sequence change creates a premature translational stop signal (p.Glu110Ilefs*2) in the RAD50 gene. It is expected to result in an absent or disrupted protein product. Loss-of-function variants in RAD50 are known to be pathogenic (PMID: 19409520).

Literature cited by the submitters: PubMed 19409520.

NM_005732.4(RAD50):c.328_329del (p.Glu110fs)

Gene: RAD50 (RAD50 double strand break repair protein; plus strand). Cytogenetic location: 5q31.1.
Variant type: Deletion.
Coding change: c.328_329del on transcript NM_005732.4 (MANE Select); coding-DNA positions 328 to 329, 2 bases deleted (GA; older notation c.328_329delGA).
Protein change: p.Glu110fs; shifts the reading frame from glutamic acid 110.
Molecular consequence: frameshift variant.
Genome position (GRCh38, 1-based): chr5:132,575,891-132,575,892, GA deleted; deleting any 2 consecutive bases within chr5:132,575,890-132,575,892 gives the same sequence; the c. name uses the placement nearest the transcript's 3' end. VCF-style (leftmost placement, unchanged base first): chr5-132575889-CAG-C. GRCh37 (hg19) VCF-style: chr5-131911581-CAG-C.
Other names: short protein forms E110fs.
Identifiers: ClinVar variation 1459924 (VCV001459924.6), dbSNP rs2149836460, ClinGen allele CA2573139064.
Genomic context (GRCh38, chr5:132,575,889, plus strand): 5'-TCAATGGAGAACTTATAGCTGTGCAAAGATCTATGGTGTGTACTCAGAAAAGCAAAAAGA[CAG>C]AATTTAAAACTCTGGAAGGAGTCATTACTAGAACAAAGTAGGTGTTTATATGATATTTGA-3'